The following is an entry in ClinVar:

ClinVar aggregate classification (germline): Pathogenic (1 of 4 stars; one submission).

Conditions:
Acrocallosal syndrome (ACLS). Also called: HALLUX DUPLICATION, POSTAXIAL POLYDACTYLY, AND ABSENCE OF CORPUS CALLOSUM; Schinzel syndrome 1; Absence of corpus callosum with unusual facial appearance, mental deficiency, duplication of the halluces and polydactyly. Identifiers: Orphanet 36, MedGen C0796147, MONDO:0008708, OMIM 200990.

Submission:

Labcorp Genetics (formerly Invitae), Labcorp
Classification: Pathogenic for Acrocallosal syndrome. Last evaluated: 2023-12-10. Review status: criteria provided, single submitter. Criteria: Invitae Variant Classification Sherloc (09022015). Collection method: clinical testing. Allele origin: germline.
Comment: This sequence change creates a premature translational stop signal (p.Leu608Cysfs*2) in the KIF7 gene. It is expected to result in an absent or disrupted protein product. Loss-of-function variants in KIF7 are known to be pathogenic (PMID: 19666503, 21552264, 21633164, 26648833). This variant is not present in population databases (gnomAD no frequency). This variant has not been reported in the literature in individuals affected with KIF7-related conditions. Algorithms developed to predict the effect of sequence changes on RNA splicing suggest that this variant may disrupt the consensus splice site. For these reasons, this variant has been classified as Pathogenic.

Literature cited by the submitters: PubMed 19666503; PubMed 21552264; PubMed 21633164; PubMed 26648833.

NM_198525.3(KIF7):c.1823del (p.Leu608fs)

Gene: KIF7 (kinesin family member 7; minus strand). Cytogenetic location: 15q26.1.
Variant type: Deletion.
Coding change: c.1823del on transcript NM_198525.3 (MANE Select); coding-DNA position 1823, one base deleted (T; older notation c.1823delT).
Protein change: p.Leu608fs; shifts the reading frame from leucine 608.
Molecular consequence: frameshift variant.
Genome position (GRCh38, 1-based): chr15:89,645,992, A deleted on the plus strand (T on the coding strand, the reverse complement: KIF7 is on the minus strand); the first of 2 consecutive A bases (chr15:89,645,992-89,645,993); deleting either gives the same sequence. VCF-style (leftmost placement, unchanged base first): chr15-89645991-CA-C. GRCh37 (hg19) VCF-style: chr15-90189222-CA-C.
Other names: short protein forms L608fs.
Identifiers: ClinVar variation 2702087 (VCV002702087.3), dbSNP rs2505483025, ClinGen allele CA2697549291.